The following is an entry in ClinVar:

ClinVar aggregate classification (germline): Uncertain significance (1 of 4 stars; one submission).

Conditions:
Koolen-de Vries syndrome (KDVS). Identifiers: Orphanet 96169, MedGen C1864871, MONDO:0012496, OMIM 610443.

Allele frequency attached by ClinVar (database versions not stated): gnomAD 0.00001; gnomAD exomes 0.00001; TOPMed 0.00001.
gnomAD v4.1: 21 of 1,610,534 alleles (0.0013%); highest among the groups gnomAD compares: African/African-American, 0.0027%; no homozygotes.

Submission:

Labcorp Genetics (formerly Invitae), Labcorp
Classification: Uncertain significance for Koolen-de Vries syndrome. Last evaluated: 2023-04-14. Review status: criteria provided, single submitter. Criteria: Invitae Variant Classification Sherloc (09022015). Collection method: clinical testing. Allele origin: germline.
Comment: This variant is present in population databases (no rsID available, gnomAD 0.007%). This variant has not been reported in the literature in individuals affected with KANSL1-related conditions. This sequence change replaces alanine, which is neutral and non-polar, with valine, which is neutral and non-polar, at codon 1043 of the KANSL1 protein (p.Ala1043Val). ClinVar contains an entry for this variant (Variation ID: 665482). Advanced modeling of protein sequence and biophysical properties (such as structural, functional, and spatial information, amino acid conservation, physicochemical variation, residue mobility, and thermodynamic stability) performed at Invitae indicates that this missense variant is not expected to disrupt KANSL1 protein function. In summary, the available evidence is currently insufficient to determine the role of this variant in disease. Therefore, it has been classified as a Variant of Uncertain Significance.

NM_015443.4(KANSL1):c.3128C>T (p.Ala1043Val)

Gene: KANSL1 (KAT8 regulatory NSL complex subunit 1). Cytogenetic location: 17q21.31.
Variant type: single nucleotide variant.
Coding change: c.3128C>T on transcript NM_015443.4 (MANE Select); coding-DNA position 3128, C replaced by T.
Protein change: p.Ala1043Val; replaces alanine 1043 with valine.
Molecular consequence: missense variant.
Genome position (GRCh38, 1-based): chr17:46,031,666, G>A on the plus strand (C>T on the coding strand, the complement: KANSL1 is on the minus strand). VCF-style: chr17-46031666-G-A. GRCh37 (hg19) VCF-style: chr17-44109032-G-A.
Other names: c.3125C>T, p.Ala1042Val (NM_001193465.2); c.3128C>T, p.Ala1043Val (NM_001193466.2, NM_001379198.1); short protein forms A1043V, A1042V.
Identifiers: ClinVar variation 665482 (VCV000665482.8), dbSNP rs1194713411, ClinGen allele CA399986109.